The following is an entry in ClinVar:

NM_000747.3(CHRNB1):c.1026G>A (p.Met342Ile)

Gene: CHRNB1 (cholinergic receptor nicotinic beta 1 subunit; plus strand). Cytogenetic location: 17p13.1.
Variant type: single nucleotide variant.
Coding change: c.1026G>A on transcript NM_000747.3 (MANE Select); coding-DNA position 1026, G replaced by A.
Protein change: p.Met342Ile; replaces methionine 342 with isoleucine.
Molecular consequence: missense variant.
Genome position (GRCh38, 1-based): chr17:7,454,502, G>A. VCF-style: chr17-7454502-G-A. GRCh37 (hg19) VCF-style: chr17-7357821-G-A.
Other names: short protein forms M342I.
Identifiers: ClinVar variation 860888 (VCV000860888.9), dbSNP rs1909001767, ClinGen allele CA397798874.

ClinVar aggregate classification (germline): Uncertain significance (1 of 4 stars; one submission).

Conditions:
Congenital myasthenic syndrome 2A. Also called: Myasthenic syndrome, congenital, 2a, slow-channel. Identifiers: Orphanet 590, MedGen C4225374, MONDO:0014581, OMIM 616313.

Allele frequency attached by ClinVar (database versions not stated): gnomAD exomes below 0.00001.
gnomAD v4.1: 1 of 1,614,016 alleles (0.000062%); highest among the groups gnomAD compares: Admixed American, 0.0017%; no homozygotes.

Submission:

Labcorp Genetics (formerly Invitae), Labcorp
Classification: Uncertain significance for Congenital myasthenic syndrome 2A. Last evaluated: 2022-07-05. Review status: criteria provided, single submitter. Criteria: Invitae Variant Classification Sherloc (09022015). Collection method: clinical testing. Allele origin: germline.
Comment: In summary, the available evidence is currently insufficient to determine the role of this variant in disease. Therefore, it has been classified as a Variant of Uncertain Significance. Advanced modeling of protein sequence and biophysical properties (such as structural, functional, and spatial information, amino acid conservation, physicochemical variation, residue mobility, and thermodynamic stability) performed at Invitae indicates that this missense variant is not expected to disrupt CHRNB1 protein function. ClinVar contains an entry for this variant (Variation ID: 860888). This variant has not been reported in the literature in individuals affected with CHRNB1-related conditions. This variant is not present in population databases (gnomAD no frequency). This sequence change replaces methionine, which is neutral and non-polar, with isoleucine, which is neutral and non-polar, at codon 342 of the CHRNB1 protein (p.Met342Ile).